The following is an entry in ClinVar:

NM_020433.5(JPH2):c.1798G>A (p.Ala600Thr)

Gene: JPH2 (junctophilin 2; minus strand). Cytogenetic location: 20q13.12.
Variant type: single nucleotide variant.
Coding change: c.1798G>A on transcript NM_020433.5 (MANE Select); coding-DNA position 1798, G replaced by A.
Protein change: p.Ala600Thr; replaces alanine 600 with threonine.
Molecular consequence: missense variant.
Genome position (GRCh38, 1-based): chr20:44,115,877, C>T on the plus strand (G>A on the coding strand, the complement: JPH2 is on the minus strand). VCF-style: chr20-44115877-C-T. GRCh37 (hg19) VCF-style: chr20-42744517-C-T.
Other names: short protein forms A600T.
Identifiers: ClinVar variation 3778836 (VCV003778836.1).
Genomic context (GRCh38, chr20:44,115,877, plus strand): 5'-CGGGGGTCTCGCGTGCAGGCTCGGGGCCTCGGAGCGTGGGGGCCTGCAGCGGGGCGGTGG[C>T]CGGGGACGAGGGCGCGGACTCGGACCCGGAGACCTCGGGCTCGGGCTGGTCCTCAAAGGG-3'
Protein context (NP_065166.2, residues 590-610): SGSESAPSSP[Ala600Thr]TAPLQAPTLR

ClinVar aggregate classification (germline): Uncertain significance (1 of 4 stars; one submission).

Conditions:
Hypertrophic cardiomyopathy 17. Identifiers: MedGen C3151264, MONDO:0013474, OMIM 613873.
Cardiomyopathy, dilated, 2E. Identifiers: MedGen C5561970, MONDO:0030366, OMIM 619492.

gnomAD v4.1: 4 of 1,583,630 alleles (0.00025%); highest among the groups gnomAD compares: South Asian, 0.0033%; no homozygotes.

Submission:

Clinical Genomics Laboratory, Stanford Medicine
Classification: Uncertain significance for Cardiomyopathy, dilated, 2E; Hypertrophic cardiomyopathy 17. Last evaluated: 2022-05-27. Review status: criteria provided, single submitter. Criteria: ACMG Guidelines, 2015. Collection method: clinical testing. Allele origin: germline. Observed: 1 variant allele, 1 heterozygote.
Comment: The p.Ala600Thr variant in the JPH2 gene has not been previously reported in association with disease. This variant has been identified in 1/28,652 South Asian chromosomes by the Genome Aggregation Database. Computational tools predict that this variant does not impact protein function; however, the accuracy of in silico algorithms is limited. These data were assessed using the ACMG/AMP variant interpretation guidelines. In summary, the significance of the p.Ala600Thr variant is uncertain. Additional information is needed to resolve the significance of this variant. [ACMG evidence codes used: PM2; BP4]